The following is an entry in ClinVar:

NM_000032.5(ALAS2):c.425T>C (p.Val142Ala)

Gene: ALAS2 (5'-aminolevulinate synthase 2; minus strand). Cytogenetic location: Xp11.21.
Variant type: single nucleotide variant.
Coding change: c.425T>C on transcript NM_000032.5 (MANE Select); coding-DNA position 425, T replaced by C.
Protein change: p.Val142Ala; replaces valine 142 with alanine.
Molecular consequence: missense variant.
Genome position (GRCh38, 1-based): chrX:55,021,265, A>G on the plus strand (T>C on the coding strand, the complement: ALAS2 is on the minus strand). VCF-style: chrX-55021265-A-G. GRCh37 (hg19) VCF-style: chrX-55047698-A-G.
Other names: c.314T>C, p.Val105Ala (NM_001037967.4); c.386T>C, p.Val129Ala (NM_001037968.4); short protein forms V129A, V142A, V105A.
Identifiers: ClinVar variation 2697006 (VCV002697006.3), dbSNP rs2519587879, ClinGen allele CA413295849.

ClinVar aggregate classification (germline): Uncertain significance (1 of 4 stars; one submission).

gnomAD v4.1: 1 of 1,207,396 alleles (0.000083%); no homozygotes.

Submission:

Labcorp Genetics (formerly Invitae), Labcorp
Classification: Uncertain significance. Last evaluated: 2023-11-18. Review status: criteria provided, single submitter. Criteria: Invitae Variant Classification Sherloc (09022015). Collection method: clinical testing. Allele origin: germline.
Comment: This sequence change replaces valine, which is neutral and non-polar, with alanine, which is neutral and non-polar, at codon 142 of the ALAS2 protein (p.Val142Ala). This variant is not present in population databases (gnomAD no frequency). This variant has not been reported in the literature in individuals affected with ALAS2-related conditions. Advanced modeling of protein sequence and biophysical properties (such as structural, functional, and spatial information, amino acid conservation, physicochemical variation, residue mobility, and thermodynamic stability) performed at Invitae indicates that this missense variant is not expected to disrupt ALAS2 protein function with a negative predictive value of 95%. In summary, the available evidence is currently insufficient to determine the role of this variant in disease. Therefore, it has been classified as a Variant of Uncertain Significance.